The following is an entry in ClinVar:

ClinVar aggregate classification (germline): Uncertain significance (1 of 4 stars; one submission).

gnomAD v4.1: 1 of 1,608,384 alleles (0.000062%); highest among the groups gnomAD compares: Non-Finnish European, 0.000085%; no homozygotes.

Submission:

GeneDx
Classification: Uncertain significance. Last evaluated: 2023-05-22. Review status: criteria provided, single submitter. Criteria: GeneDx Variant Classification Process June 2021. Collection method: clinical testing. Allele origin: germline. Affected: yes.
Comment: Not observed at significant frequency in large population cohorts (gnomAD); In silico analysis supports that this missense variant has a deleterious effect on protein structure/function; Has not been previously published as pathogenic or benign to our knowledge

NM_031475.3(ESPN):c.2345G>T (p.Arg782Leu)

Gene: ESPN (espin; plus strand). Cytogenetic location: 1p36.31.
Variant type: single nucleotide variant.
Coding change: c.2345G>T on transcript NM_031475.3 (MANE Select); coding-DNA position 2345, G replaced by T.
Protein change: p.Arg782Leu; replaces arginine 782 with leucine.
Molecular consequence: missense variant.
Genome position (GRCh38, 1-based): chr1:6,457,203, G>T. VCF-style: chr1-6457203-G-T. GRCh37 (hg19) VCF-style: chr1-6517263-G-T.
Other names: c.2255G>T, p.Arg752Leu (NM_001367473.1); c.2282G>T, p.Arg761Leu (NM_001367474.1); short protein forms R752L, R761L, R782L.
Identifiers: ClinVar variation 2504294 (VCV002504294.1), dbSNP rs764608871, ClinGen allele CA338101968.